The following is an entry in ClinVar:

ClinVar aggregate classification (germline): Uncertain significance. Review status: criteria provided, multiple submitters, no conflicts (2 of 4 stars). 2 submissions from 2 submitters: Uncertain significance (2). Last evaluated 2025-10-01.

Allele frequency attached by ClinVar (database versions not stated): gnomAD exomes below 0.00001.

Submissions (2):

Labcorp Genetics (formerly Invitae), Labcorp
Classification: Uncertain significance. Last evaluated: 2025-10-01. Review status: criteria provided, single submitter. Criteria: Invitae Variant Classification Sherloc (09022015). Collection method: clinical testing. Allele origin: germline.
Comment: This sequence change replaces glutamine, which is neutral and polar, with histidine, which is basic and polar, at codon 265 of the KMT2A protein (p.Gln265His). This variant is not present in population databases (gnomAD no frequency). This variant has not been reported in the literature in individuals affected with KMT2A-related conditions. ClinVar contains an entry for this variant (Variation ID: 1208130). Invitae Evidence Modeling of protein sequence and biophysical properties (such as structural, functional, and spatial information, amino acid conservation, physicochemical variation, residue mobility, and thermodynamic stability) indicates that this missense variant is not expected to disrupt KMT2A protein function with a negative predictive value of 95%. In summary, the available evidence is currently insufficient to determine the role of this variant in disease. Therefore, it has been classified as a Variant of Uncertain Significance.

GeneDx
Classification: Uncertain significance. Last evaluated: 2019-07-10. Review status: criteria provided, single submitter. Criteria: GeneDx Variant Classification Process June 2021. Collection method: clinical testing. Allele origin: germline. Affected: yes.
Comment: Not observed in large population cohorts (Lek et al., 2016); In silico analysis, which includes protein predictors and evolutionary conservation, supports that this variant does not alter protein structure/function; Has not been previously published as pathogenic or benign to our knowledge

NM_001197104.2(KMT2A):c.795G>T (p.Gln265His)

Gene: KMT2A (lysine methyltransferase 2A; plus strand). Cytogenetic location: 11q23.3.
Variant type: single nucleotide variant.
Coding change: c.795G>T on transcript NM_001197104.2 (MANE Select); coding-DNA position 795, G replaced by T.
Protein change: p.Gln265His; replaces glutamine 265 with histidine.
Molecular consequence: missense variant.
Genome position (GRCh38, 1-based): chr11:118,471,954, G>T. VCF-style: chr11-118471954-G-T. GRCh37 (hg19) VCF-style: chr11-118342669-G-T.
Other names: c.795G>T, p.Gln265His (NM_005933.4); short protein forms Q265H.
Identifiers: ClinVar variation 1208130 (VCV001208130.8), dbSNP rs782173501, ClinGen allele CA382807923.